The following is an entry in ClinVar:

NM_002691.4(POLD1):c.1168C>A (p.Pro390Thr)

Gene: POLD1 (DNA polymerase delta 1, catalytic subunit; plus strand). Cytogenetic location: 19q13.33.
Variant type: single nucleotide variant.
Coding change: c.1168C>A on transcript NM_002691.4 (MANE Select); coding-DNA position 1168, C replaced by A.
Protein change: p.Pro390Thr; replaces proline 390 with threonine.
Molecular consequence: missense variant. On other transcripts: non-coding transcript variant (1).
Genome position (GRCh38, 1-based): chr19:50,403,523, C>A. VCF-style: chr19-50403523-C-A. GRCh37 (hg19) VCF-style: chr19-50906780-C-A.
Other names: c.1168C>A, p.Pro390Thr (NM_001256849.1, NM_001308632.1); short protein forms P390T.
Identifiers: ClinVar variation 1059341 (VCV001059341.9), dbSNP rs2038747136, ClinGen allele CA406978488.
Genomic context (GRCh38, chr19:50,403,523, plus strand): 5'-CAGGGTGACCCAATGTGCTCCCACCCCCAGGCCTGGTCCACCTTCATCCGTATCATGGAC[C>A]CCGACGTGATCACCGGTTACAACATCCAGAACTTCGACCTTCCGTACCTCATCTCTCGGG-3'
Protein context (NP_002682.2, residues 380-400): AWSTFIRIMD[Pro390Thr]DVITGYNIQN

ClinVar aggregate classification (germline): Uncertain significance (1 of 4 stars; one submission).

Conditions:
POLD1-related polyposis and colorectal cancer syndrome (CRCS10). Also called: Colorectal cancer 10; COLORECTAL CANCER, SUSCEPTIBILITY TO, ON CHROMOSOME 19q; Colorectal cancer, susceptibility to, 10. Identifiers: Orphanet 220460, MedGen C2675481, MONDO:0012953, OMIM 612591.

Submission:

Labcorp Genetics (formerly Invitae), Labcorp
Classification: Uncertain significance for POLD1-related polyposis and colorectal cancer syndrome. Last evaluated: 2020-08-26. Review status: criteria provided, single submitter. Criteria: Invitae Variant Classification Sherloc (09022015). Collection method: clinical testing. Allele origin: germline.
Comment: This sequence change replaces proline with threonine at codon 390 of the POLD1 protein (p.Pro390Thr). The proline residue is highly conserved and there is a small physicochemical difference between proline and threonine. This variant is not present in population databases (ExAC no frequency). This variant has not been reported in the literature in individuals with POLD1-related conditions. Algorithms developed to predict the effect of missense changes on protein structure and function are either unavailable or do not agree on the potential impact of this missense change (SIFT: "Deleterious"; PolyPhen-2: "Probably Damaging"; Align-GVGD: "Class C0"). In summary, the available evidence is currently insufficient to determine the role of this variant in disease. Therefore, it has been classified as a Variant of Uncertain Significance.